The following is an entry in ClinVar:

NM_144666.3(DNHD1):c.4141C>T (p.Gln1381Ter)

Gene: DNHD1 (dynein heavy chain domain 1; plus strand). Cytogenetic location: 11p15.4.
Variant type: single nucleotide variant.
Coding change: c.4141C>T on transcript NM_144666.3 (MANE Select); coding-DNA position 4141, C replaced by T.
Protein change: p.Gln1381Ter; replaces glutamine 1381 with a stop codon.
Molecular consequence: nonsense.
Genome position (GRCh38, 1-based): chr11:6,545,080, C>T. VCF-style: chr11-6545080-C-T. GRCh37 (hg19) VCF-style: chr11-6566310-C-T.
Other names: short protein forms Q1381*.
Identifiers: ClinVar variation 1693248 (VCV001693248.1), dbSNP rs1386324073, ClinGen allele CA379415323.
Genomic context (GRCh38, chr11:6,545,080, plus strand): 5'-TTCCTTAGTGACAGTGAGCTGGTAGCCCTGCTGGCTGCTCGACTGGAATCATGCGAAGCC[C>T]AGCTATGGGTACGACGCTGCTTTCCTCATGTGCATGCTGTGAGCTTCAGGTCTTGCCCAA-3'

ClinVar aggregate classification (germline): Likely pathogenic (1 of 4 stars; one submission).

Conditions:
Spermatogenic failure 65 (SPGF65). Identifiers: MedGen C5562067, MONDO:0030531, OMIM 619712.

Allele frequency attached by ClinVar (database versions not stated): gnomAD exomes 0.00001 and 0.00003; TOPMed 0.00001; gnomAD 0.00002.
gnomAD v4.1: 6 of 1,551,862 alleles (0.00039%); highest among the groups gnomAD compares: East Asian, 0.0098%; no homozygotes.

Submission:

SIB Swiss Institute of Bioinformatics
Classification: Likely pathogenic for Spermatogenic failure 65. Last evaluated: 2022-06-20. Review status: criteria provided, single submitter. Criteria: ACMG Guidelines, 2015. Collection method: curation. Allele origin: unknown.
Comment: This variant is interpreted as likely pathogenic for Spermatogenic failure 65, autosomal recessive. The following ACMG Tag(s) were applied: Absent from controls (or at extremely low frequency if recessive) in Exome Sequencing Project, 1000 Genomes Project, or Exome Aggregation Consortium (PM2); Predicted nullvariant in a gene where LOF is a known mechanism of disease (PVS1 downgraded to strong).

Literature cited by the submitters: PubMed 34932939.